The following is an entry in ClinVar:

ClinVar aggregate classification (germline): Likely pathogenic (1 of 4 stars; one submission).

Conditions:
Vitamin D-dependent rickets type II with alopecia (VDDR2A). Also called: GENERALIZED RESISTANCE TO 1,25-DIHYDROXYVITAMIN D; HYPOCALCEMIC VITAMIN D-RESISTANT RICKETS; PDDR IIA; PSEUDOVITAMIN D-DEFICIENCY, TYPE IIA; RICKETS, HEREDITARY VITAMIN D-RESISTANT; RICKETS-ALOPECIA SYNDROME. Identifiers: Orphanet 93160, MedGen C0342646, MONDO:0010186, OMIM 277440.

Allele frequency attached by ClinVar (database versions not stated): gnomAD exomes below 0.00001.
gnomAD v4.1: 2 of 1,613,740 alleles (0.00012%); highest among the groups gnomAD compares: Non-Finnish European, 0.00017%; no homozygotes.

Submission:

Women's Health and Genetics/Laboratory Corporation of America, LabCorp
Classification: Likely pathogenic for Vitamin D-dependent rickets type II with alopecia. Last evaluated: 2023-12-01. Review status: criteria provided, single submitter. Criteria: LabCorp Variant Classification Summary - May 2015. Collection method: clinical testing. Allele origin: germline.
Comment: Variant summary: VDR c.-2-1G>A is located in a canonical splice-site and is predicted to affect mRNA splicing resulting in a significantly altered protein due to either exon skipping, shortening, or inclusion of intronic material. Several computational tools predict a significant impact on normal splicing: One predict the variant abolishes a 3' acceptor site. Three predict the variant weakens a 3' acceptor site. However, these predictions have yet to be confirmed by functional studies. The variant was absent in 250868 control chromosomes. To our knowledge, no occurrence of c.-2-1G>A in individuals affected with Vitamin D-Dependent Rickets Type II With Alopecia and no experimental evidence demonstrating its impact on protein function have been reported. No submitters have cited clinical-significance assessments for this variant to ClinVar after 2014. Based on the evidence outlined above, the variant was classified as likely pathogenic.

NM_000376.3(VDR):c.-2-1G>A

Gene: VDR (vitamin D receptor; minus strand). Cytogenetic location: 12q13.11.
Variant type: single nucleotide variant.
Coding change: c.-2-1G>A on transcript NM_000376.3 (MANE Select); the canonical splice acceptor site of the intron before 2 bases upstream of the start codon, G replaced by A.
Molecular consequence: splice acceptor variant.
Genome position (GRCh38, 1-based): chr12:47,879,116, C>T on the plus strand (G>A on the coding strand, the complement: VDR is on the minus strand). VCF-style: chr12-47879116-C-T. GRCh37 (hg19) VCF-style: chr12-48272899-C-T.
Other names: c.-2-1G>A (NM_001374662.1, NM_001364085.2, NM_001017535.2 and 1 more transcripts); c.149-1G>A (NM_001017536.2).
Identifiers: ClinVar variation 2691486 (VCV002691486.1), dbSNP rs2540017785, ClinGen allele CA384515390.